The following is an entry in ClinVar:

ClinVar aggregate classification (germline): Likely benign (1 of 4 stars; one submission).

Allele frequency attached by ClinVar (database versions not stated): ESP Exome Variant Server 0.00388; 1000 Genomes Project 30x 0.00078; 1000 Genomes Project 0.00080; ExAC 0.00250; TOPMed 0.00312; gnomAD 0.00313.
gnomAD v4.1: 5,972 of 1,613,330 alleles (0.37%); highest among the groups gnomAD compares: Non-Finnish European, 0.45%; 15 homozygotes.

Submission:

CeGaT Center for Human Genetics Tuebingen
Classification: Likely benign. Last evaluated: 2022-08-01. Review status: criteria provided, single submitter. Criteria: CeGaT Center For Human Genetics Tuebingen Variant Classification Criteria Version 2. Collection method: clinical testing. Allele origin: germline. Affected: yes. Observed: 1 variant allele.
Comment: ZNF208: BP4, BP7

NM_007153.3(ZNF208):c.2922A>G (p.Lys974=)

Gene: ZNF208 (zinc finger protein 208; minus strand). Cytogenetic location: 19p12.
Variant type: single nucleotide variant.
Coding change: c.2922A>G on transcript NM_007153.3 (MANE Select); coding-DNA position 2922, A replaced by G.
Protein change: p.Lys974=; no amino-acid change (lysine 974 retained).
Molecular consequence: synonymous variant. On other transcripts: intron variant (4).
Genome position (GRCh38, 1-based): chr19:21,972,112, T>C on the plus strand (A>G on the coding strand, the complement: ZNF208 is on the minus strand). VCF-style: chr19-21972112-T-C. GRCh37 (hg19) VCF-style: chr19-22154914-T-C.
Other names: c.227-11328A>G (NM_001329972.1); c.305+2617A>G (NM_001329973.1, NM_001329971.2); c.226+15104A>G (NM_001329974.2).
Identifiers: ClinVar variation 2649636 (VCV002649636.24), dbSNP rs186085304, ClinGen allele CA9341708.
Genomic context (GRCh38, chr19:21,972,112, plus strand): 5'-AATTACCTTATGTTTAGTAAGGATTGAGAATGTACTAAAGCCTTTGCCACATTCTTCATA[T>C]TTGTAAGGTTTCTCTTCAGTATGAATTTTCTTATGATAACTAAGGGTTGAGGATGACTTA-3'
Protein context (NP_009084.2, residues 964-984): KKIHTEEKPY[Lys974=]YEECGKGFST